The following is an entry in ClinVar:

NM_000169.3(GLA):c.656_657delinsAT (p.Ile219Asn)

Genes: GLA (galactosidase alpha; minus strand), RPL36A-HNRNPH2 (RPL36A-HNRNPH2 readthrough; plus strand). Cytogenetic location: Xq22.1.
Variant type: Indel.
Coding change: c.656_657delinsAT on transcript NM_000169.3 (MANE Select); coding-DNA positions 656 to 657, TC replaced by AT.
Protein change: p.Ile219Asn; replaces isoleucine 219 with asparagine.
Molecular consequence: missense variant. On other transcripts: non-coding transcript variant (3), intron variant (2).
Genome position (GRCh38, 1-based): chrX:101,398,929-101,398,930, GA replaced by AT on the plus strand (TC replaced by AT on the coding strand, the reverse complement: GLA is on the minus strand). VCF-style: chrX-101398929-GA-AT. GRCh37 (hg19) VCF-style: chrX-100653917-GA-AT.
Other names: c.779_780delinsAT, p.Ile260Asn (NM_001406747.1); c.656_657delinsAT, p.Ile219Asn (NM_001406748.1); c.300+3472_300+3473delinsAT (NM_001199973.2); c.177+7107_177+7108delinsAT (NM_001199974.2); short protein forms I219N, I260N.
Identifiers: ClinVar variation 4974906 (VCV004974906.1).

ClinVar aggregate classification (germline): Likely pathogenic (1 of 4 stars; one submission).

Conditions:
Fabry disease. Also called: Fabry's disease; ALPHA-GALACTOSIDASE A DEFICIENCY; ANDERSON-FABRY DISEASE; CERAMIDE TRIHEXOSIDASE DEFICIENCY; GLA DEFICIENCY; HEREDITARY DYSTOPIC LIPIDOSIS. Identifiers: Orphanet 324, MedGen C0002986, MONDO:0010526, OMIM 301500, HP:0001071. Disease mechanism: Fabry disease is due to inactivating mutations in the X-linked GLA gene resulting in deficiency of the enzyme Alpha Galactosidase-A., loss of function.

Submission:

Genomenon, Inc
Classification: Likely pathogenic for Fabry disease. Last evaluated: 2026-09-08. Review status: criteria provided, single submitter. Criteria: Genomenon Sequence Variant Interpretation Standards - Updated. Collection method: curation. Allele origin: germline. Affected: yes.
Comment: GLA p.Ile219Asn (c.656_657delinsAT) is a deletion-insertion variant that changes the amino acid at codon 219 from Isoleucine to Asparagine. This variant has been observed in at least one proband with clinical features consistent with Fabry disease (PMID:7531540). At least one functional study has demonstrated a substantial alteration in protein function relative to the wild-type (PMID:27657681). It is absent or not present at a significant frequency in gnomAD. In silico models predict that this variant is possibly or probably damaging. In conclusion, we classify GLA p.Ile219Asn (c.656_657delinsAT) as a likely pathogenic variant.

Literature cited by the submitters: PubMed 7531540; PubMed 27657681.